The following is an entry in ClinVar:

ClinVar aggregate classification (germline): Uncertain significance (1 of 4 stars; one submission).

Conditions:
Joubert syndrome. Also called: JOUBERT-BOLTSHAUSER SYNDROME; Familial aplasia of the vermis. Identifiers: Orphanet 475, MedGen C5979921, MONDO:0018772.
Meckel-Gruber syndrome. Also called: DYSENCEPHALIA SPLANCHNOCYSTICA; GRUBER SYNDROME; Dysencephalia splachnocystica. Identifiers: Orphanet 564, MedGen C0265215, MONDO:0018921.

Allele frequency attached by ClinVar (database versions not stated): gnomAD exomes below 0.00001.
gnomAD v4.1: 1 of 1,608,658 alleles (0.000062%); highest among the groups gnomAD compares: African/African-American, 0.0013%; no homozygotes.

Submission:

Labcorp Genetics (formerly Invitae), Labcorp
Classification: Uncertain significance for Joubert syndrome; Meckel-Gruber syndrome. Last evaluated: 2024-02-24. Review status: criteria provided, single submitter. Criteria: Invitae Variant Classification Sherloc (09022015). Collection method: clinical testing. Allele origin: germline.
Comment: This sequence change replaces threonine, which is neutral and polar, with serine, which is neutral and polar, at codon 794 of the CC2D2A protein (p.Thr794Ser). This variant is not present in population databases (gnomAD no frequency). This variant has not been reported in the literature in individuals affected with CC2D2A-related conditions. ClinVar contains an entry for this variant (Variation ID: 2095711). Advanced modeling of protein sequence and biophysical properties (such as structural, functional, and spatial information, amino acid conservation, physicochemical variation, residue mobility, and thermodynamic stability) performed at Invitae indicates that this missense variant is not expected to disrupt CC2D2A protein function with a negative predictive value of 95%. In summary, the available evidence is currently insufficient to determine the role of this variant in disease. Therefore, it has been classified as a Variant of Uncertain Significance.

NM_001378615.1(CC2D2A):c.2380A>T (p.Thr794Ser)

Genes: CC2D2A (coiled-coil and C2 domain containing 2A; plus strand), FBXL5 (F-box and leucine rich repeat protein 5; minus strand). Cytogenetic location: 4p15.32.
Variant type: single nucleotide variant.
Coding change: c.2380A>T on transcript NM_001378615.1 (MANE Select); coding-DNA position 2380, A replaced by T.
Protein change: p.Thr794Ser; replaces threonine 794 with serine.
Molecular consequence: missense variant.
Genome position (GRCh38, 1-based): chr4:15,553,199, A>T. VCF-style: chr4-15553199-A-T. GRCh37 (hg19) VCF-style: chr4-15554822-A-T.
Other names: c.2233A>T, p.Thr745Ser (NM_001378617.1); c.2380A>T, p.Thr794Ser (NM_001080522.2); short protein forms T745S, T794S.
Identifiers: ClinVar variation 2095711 (VCV002095711.4), dbSNP rs2475026062, ClinGen allele CA356418787.